The following is an entry in ClinVar:

ClinVar aggregate classification (germline): Uncertain significance (1 of 4 stars; one submission).

Conditions:
Nephronophthisis. Also called: Juvenile Nephronophthisis. Identifiers: Orphanet 655, MedGen C0687120, MONDO:0019005, HP:0000090.

Submission:

Labcorp Genetics (formerly Invitae), Labcorp
Classification: Uncertain significance for Nephronophthisis. Last evaluated: 2022-06-09. Review status: criteria provided, single submitter. Criteria: Invitae Variant Classification Sherloc (09022015). Collection method: clinical testing. Allele origin: germline.
Comment: This variant is not present in population databases (gnomAD no frequency). This variant has not been reported in the literature in individuals affected with NPHP4-related conditions. Experimental studies and prediction algorithms are not available or were not evaluated, and the functional significance of this variant is currently unknown. In summary, the available evidence is currently insufficient to determine the role of this variant in disease. Therefore, it has been classified as a Variant of Uncertain Significance. This variant, c.2077_2082dup, results in the insertion of 2 amino acid(s) of the NPHP4 protein (p.Gln693_Pro694dup), but otherwise preserves the integrity of the reading frame.

NM_015102.5(NPHP4):c.2077_2082dup (p.Gln693_Pro694dup)

Gene: NPHP4 (nephrocystin 4; minus strand). Cytogenetic location: 1p36.31.
Variant type: Duplication.
Coding change: c.2077_2082dup on transcript NM_015102.5 (MANE Select); coding-DNA positions 2077 to 2082, 6 bases duplicated (CAGCCC; older notation c.2077_2082dupCAGCCC).
Protein change: p.Gln693_Pro694dup.
Molecular consequence: inframe insertion. On other transcripts: non-coding transcript variant (1).
Genome position (GRCh38, 1-based): chr1:5,904,678-5,904,683, GGGCTG duplicated on the plus strand (CAGCCC on the coding strand, the reverse complement: NPHP4 is on the minus strand); duplicating any 6 consecutive bases within chr1:5,904,678-5,904,684 gives the same sequence; the c. name uses the placement nearest the transcript's 3' end. VCF-style (leftmost placement, unchanged base first): chr1-5904677-T-TGGGCTG. GRCh37 (hg19) VCF-style: chr1-5964737-T-TGGGCTG.
Other names: c.538_543dup, p.Gln180_Pro181dup (NM_001291593.2); c.541_546dup, p.Gln181_Pro182dup (NM_001291594.2).
Identifiers: ClinVar variation 1421176 (VCV001421176.8), dbSNP rs2101120687, ClinGen allele CA2573132133.
Genomic context (GRCh38, chr1:5,904,677, plus strand): 5'-CAGCATCAAAGGTGCCATCTCTGCTCACAGGCACGAGGATGTGGGTCAGGGCGCCAGAGC[T>TGGGCTG]GGGCTGGCCGGCCTCATCCAGCTGGACCAGCTGCAGTCGTGGCGTCGTTGCGGGTGGGAA-3'